The following is an entry in ClinVar:

NM_000419.5(ITGA2B):c.1612G>A (p.Glu538Lys)

Gene: ITGA2B (integrin subunit alpha 2b; minus strand). Cytogenetic location: 17q21.31.
Variant type: single nucleotide variant.
Coding change: c.1612G>A on transcript NM_000419.5 (MANE Select); coding-DNA position 1612, G replaced by A.
Protein change: p.Glu538Lys; replaces glutamic acid 538 with lysine.
Molecular consequence: missense variant.
Genome position (GRCh38, 1-based): chr17:44,380,142, C>T on the plus strand (G>A on the coding strand, the complement: ITGA2B is on the minus strand). VCF-style: chr17-44380142-C-T. GRCh37 (hg19) VCF-style: chr17-42457510-C-T.
Other names: short protein forms E538K.
Identifiers: ClinVar variation 3346250 (VCV003346250.2).

ClinVar aggregate classification (germline): Uncertain significance. Review status: criteria provided, single submitter (1 of 4 stars). 2 submissions from 2 submitters: Uncertain significance (1). 1 of the submissions does not count toward it. Last evaluated 2026-01-12.

Conditions:
Glanzmann thrombasthenia. Also called: THROMBASTHENIA OF GLANZMANN AND NAEGELI; PLATELET GLYCOPROTEIN IIb-IIIa DEFICIENCY; Thrombasthenia; Glanzmann's thrombasthenia. Identifiers: Orphanet 849, MedGen C0040015, MONDO:0100326.
ITGA2B-related disorder. Also called: ITGA2B-related condition; ITGA2B-related disorders.

gnomAD v4.1: 46 of 1,613,672 alleles (0.0029%); highest among the groups gnomAD compares: African/African-American, 0.0053%; no homozygotes.

Submissions (2):

Labcorp Genetics (formerly Invitae), Labcorp
Classification: Uncertain significance for Glanzmann thrombasthenia. Last evaluated: 2026-01-12. Review status: criteria provided, single submitter. Criteria: Invitae Variant Classification Sherloc (09022015). Collection method: clinical testing. Allele origin: germline.
Comment: This sequence change replaces glutamic acid, which is acidic and polar, with lysine, which is basic and polar, at codon 538 of the ITGA2B protein (p.Glu538Lys). This variant is present in population databases (rs780837520, gnomAD 0.007%). This variant has not been reported in the literature in individuals affected with ITGA2B-related conditions. ClinVar contains an entry for this variant (Variation ID: 3346250). Invitae Evidence Modeling of protein sequence and biophysical properties (such as structural, functional, and spatial information, amino acid conservation, physicochemical variation, residue mobility, and thermodynamic stability) has been performed for this missense variant. However, the output from this modeling did not meet the statistical confidence thresholds required to predict the impact of this variant on ITGA2B protein function. In summary, the available evidence is currently insufficient to determine the role of this variant in disease. Therefore, it has been classified as a Variant of Uncertain Significance.

PreventionGenetics, part of Exact Sciences
Classification: Uncertain significance for ITGA2B-related condition. Last evaluated: 2024-04-22. Review status: no assertion criteria provided. Collection method: clinical testing. Allele origin: germline. Not counted in ClinVar's aggregate classification.
Comment: The ITGA2B c.1612G>A variant is predicted to result in the amino acid substitution p.Glu538Lys. To our knowledge, this variant has not been reported in the literature. This variant is reported in 0.0065% of alleles in individuals of South Asian descent in gnomAD. At this time, the clinical significance of this variant is uncertain due to the absence of conclusive functional and genetic evidence.